The following is an entry in ClinVar:

ClinVar aggregate classification (germline): Likely benign. Review status: criteria provided, multiple submitters, no conflicts (2 of 4 stars). 4 submissions from 4 submitters: Likely benign (4). Last evaluated 2026-06-01.

Conditions:
C1QBP-related disorder. Also called: C1QBP-related condition.

Allele frequency attached by ClinVar (database versions not stated): TOPMed 0.00007; gnomAD 0.00015.
gnomAD v4.1: 153 of 1,500,982 alleles (0.01%); highest among the groups gnomAD compares: Non-Finnish European, 0.011%; no homozygotes.

Submissions (4):

CeGaT Center for Human Genetics Tuebingen
Classification: Likely benign. Last evaluated: 2026-06-01. Review status: criteria provided, single submitter. Criteria: CeGaT Center For Human Genetics Tuebingen Variant Classification Criteria Version 2. Collection method: clinical testing. Allele origin: germline. Affected: yes. Observed: 2 variant alleles.
Comment: C1QBP: BP4, BP7

PreventionGenetics, part of Exact Sciences
Classification: Likely benign for C1QBP-related condition. Last evaluated: 2026-05-06. Review status: criteria provided, single submitter. Criteria: ACMG Guidelines, 2015. Collection method: clinical testing. Allele origin: germline.
Comment: This variant is classified as likely benign based on ACMG/AMP sequence variant interpretation guidelines (Richards et al. 2015 PMID: 25741868, with internal and published modifications).

Labcorp Genetics (formerly Invitae), Labcorp
Classification: Likely benign. Last evaluated: 2025-10-02. Review status: criteria provided, single submitter. Criteria: Invitae Variant Classification Sherloc (09022015). Collection method: clinical testing. Allele origin: germline.

Laboratory of Genetics, Children's Clinical University Hospital Latvia
Classification: Likely benign. Last evaluated: 2025-02-16. Review status: criteria provided, single submitter. Criteria: ACMG Guidelines, 2015. Collection method: clinical testing. Allele origin: germline. Affected: yes.

NM_001212.4(C1QBP):c.102G>A (p.Pro34=)

Gene: C1QBP (complement C1q binding protein; minus strand). Cytogenetic location: 17p13.2.
Variant type: single nucleotide variant.
Coding change: c.102G>A on transcript NM_001212.4 (MANE Select); coding-DNA position 102, G replaced by A.
Protein change: p.Pro34=; no amino-acid change (proline 34 retained).
Molecular consequence: synonymous variant.
Genome position (GRCh38, 1-based): chr17:5,438,972, C>T on the plus strand (G>A on the coding strand, the complement: C1QBP is on the minus strand). VCF-style: chr17-5438972-C-T. GRCh37 (hg19) VCF-style: chr17-5342292-C-T.
Other names: c.102G>A (NM_001212.3).
Identifiers: ClinVar variation 2140449 (VCV002140449.13), dbSNP rs916691684, ClinGen allele CA287261579.